The following is an entry in ClinVar:

NM_032447.5(FBN3):c.871C>T (p.Arg291Trp)

Gene: FBN3 (fibrillin 3; minus strand). Cytogenetic location: 19p13.2.
Variant type: single nucleotide variant.
Coding change: c.871C>T on transcript NM_032447.5 (MANE Select); coding-DNA position 871, C replaced by T.
Protein change: p.Arg291Trp; replaces arginine 291 with tryptophan.
Molecular consequence: missense variant.
Genome position (GRCh38, 1-based): chr19:8,138,559, G>A on the plus strand (C>T on the coding strand, the complement: FBN3 is on the minus strand). VCF-style: chr19-8138559-G-A. GRCh37 (hg19) VCF-style: chr19-8203443-G-A.
Other names: c.871C>T, p.Arg291Trp (NM_001321431.2); short protein forms R291W.
Identifiers: ClinVar variation 2389005 (VCV002389005.4), dbSNP rs138686141, ClinGen allele CA9153552.

ClinVar aggregate classification (germline): Uncertain significance. Review status: criteria provided, multiple submitters, no conflicts (2 of 4 stars). 2 submissions from 2 submitters: Uncertain significance (2). Last evaluated 2026-01-21.

Allele frequency attached by ClinVar (database versions not stated): gnomAD 0.00007; gnomAD exomes 0.00008; TOPMed 0.00014; ESP Exome Variant Server 0.00008; ExAC 0.00005.

Submissions (2):

Labcorp Genetics (formerly Invitae), Labcorp
Classification: Uncertain significance. Last evaluated: 2026-01-21. Review status: criteria provided, single submitter. Criteria: Invitae Variant Classification Sherloc (09022015). Collection method: clinical testing. Allele origin: germline.
Comment: This sequence change replaces arginine, which is basic and polar, with tryptophan, which is neutral and slightly polar, at codon 291 of the FBN3 protein (p.Arg291Trp). The frequency data for this variant in the population databases is considered unreliable, as metrics indicate poor data quality at this position in the gnomAD database. This variant has not been reported in the literature in individuals affected with FBN3-related conditions. ClinVar contains an entry for this variant (Variation ID: 2389005). Invitae Evidence Modeling of protein sequence and biophysical properties (such as structural, functional, and spatial information, amino acid conservation, physicochemical variation, residue mobility, and thermodynamic stability) indicates that this missense variant is expected to disrupt FBN3 protein function with a positive predictive value of 80%. In summary, the available evidence is currently insufficient to determine the role of this variant in disease. Therefore, it has been classified as a Variant of Uncertain Significance.

Ambry Genetics
Classification: Uncertain significance. Last evaluated: 2021-07-06. Review status: criteria provided, single submitter. Criteria: Ambry Variant Classification Scheme 2023. Collection method: clinical testing. Allele origin: germline.